The following is an entry in ClinVar:

NM_003712.4(PLPP2):c.850C>T (p.Pro284Ser)

Gene: PLPP2 (phospholipid phosphatase 2; minus strand). Cytogenetic location: 19p13.3.
Variant type: single nucleotide variant.
Coding change: c.850C>T on transcript NM_003712.4 (MANE Select); coding-DNA position 850, C replaced by T.
Protein change: p.Pro284Ser; replaces proline 284 with serine.
Molecular consequence: missense variant.
Genome position (GRCh38, 1-based): chr19:281,405, G>A on the plus strand (C>T on the coding strand, the complement: PLPP2 is on the minus strand). VCF-style: chr19-281405-G-A. GRCh37 (hg19) VCF-style: chr19-281405-G-A.
Other names: c.682C>T, p.Pro228Ser (NM_177526.3); c.913C>T, p.Pro305Ser (NM_177543.3); short protein forms P228S, P284S, P305S.
Identifiers: ClinVar variation 3051421 (VCV003051421.2), dbSNP rs34392164, ClinGen allele CA9013252.

ClinVar aggregate classification (germline): Likely benign (0 of 4 stars; one submission).

Conditions:
PLPP2-related disorder. Also called: PLPP2-related condition.

Allele frequency attached by ClinVar (database versions not stated): gnomAD exomes 0.00007; ExAC 0.00035; 1000 Genomes Project 30x 0.00078; 1000 Genomes Project 0.00080; TOPMed 0.00110; gnomAD 0.00113; ESP Exome Variant Server 0.00115.
gnomAD v4.1: 260 of 1,450,688 alleles (0.018%); highest among the groups gnomAD compares: African/African-American, 0.34%; no homozygotes.

Submission:

PreventionGenetics, part of Exact Sciences
Classification: Likely benign for PLPP2-related condition. Last evaluated: 2022-05-25. Review status: no assertion criteria provided. Collection method: clinical testing. Allele origin: germline.
Comment: This variant is classified as likely benign based on ACMG/AMP sequence variant interpretation guidelines (Richards et al. 2015 PMID: 25741868, with internal and published modifications).